The following is an entry in ClinVar:

ClinVar aggregate classification (germline): Uncertain significance (1 of 4 stars; one submission).

gnomAD v4.1: 8 of 1,613,506 alleles (0.0005%); highest among the groups gnomAD compares: Non-Finnish European, 0.00068%; no homozygotes.

Submission:

Labcorp Genetics (formerly Invitae), Labcorp
Classification: Uncertain significance. Last evaluated: 2026-01-08. Review status: criteria provided, single submitter. Criteria: Invitae Variant Classification Sherloc (09022015). Collection method: clinical testing. Allele origin: germline.
Comment: This sequence change creates a premature translational stop signal (p.Gln167*) in the RFWD3 gene. It is expected to result in an absent or disrupted protein product. However, the current clinical and genetic evidence is not sufficient to establish whether loss-of-function variants in RFWD3 cause disease. This variant is present in population databases (rs760013649, gnomAD 0.0009%). This variant has not been reported in the literature in individuals affected with RFWD3-related conditions. In summary, the available evidence is currently insufficient to determine the role of this variant in disease. Therefore, it has been classified as a Variant of Uncertain Significance.

NM_018124.4(RFWD3):c.499C>T (p.Gln167Ter)

Gene: RFWD3 (ring finger and WD repeat domain 3; minus strand). Cytogenetic location: 16q23.1.
Variant type: single nucleotide variant.
Coding change: c.499C>T on transcript NM_018124.4 (MANE Select); coding-DNA position 499, C replaced by T.
Protein change: p.Gln167Ter; replaces glutamine 167 with a stop codon.
Molecular consequence: nonsense. On other transcripts: 5 prime UTR variant (4), intron variant (1).
Genome position (GRCh38, 1-based): chr16:74,660,951, G>A on the plus strand (C>T on the coding strand, the complement: RFWD3 is on the minus strand). VCF-style: chr16-74660951-G-A. GRCh37 (hg19) VCF-style: chr16-74694849-G-A.
Other names: c.499C>T, p.Gln167Ter (NM_001370534.1, NM_001370535.1, NM_001370536.1); c.-510C>T (NM_001370537.1); c.-133C>T (NM_001370539.1); c.-387C>T (NM_001370542.1); c.-265C>T (NM_001370543.1); c.-317+3673C>T (NM_001370540.1); short protein forms Q167*.
Identifiers: ClinVar variation 4781051 (VCV004781051.1).